The following is an entry in ClinVar:

ClinVar aggregate classification (germline): Uncertain significance. Review status: criteria provided, multiple submitters, no conflicts (2 of 4 stars). 3 submissions from 3 submitters: Uncertain significance (3). Last evaluated 2026-06-22.

Conditions:
COL4A1-related disorder. Also called: COL4A1-related condition; COL4A1-related disorders. Identifiers: MedGen CN376119, MONDO:0800461.
Inborn genetic diseases. Identifiers: MedGen C0950123, MeSH D030342.

Allele frequency attached by ClinVar (database versions not stated): TOPMed below 0.00001.
gnomAD v4.1: 4 of 1,614,176 alleles (0.00025%); highest among the groups gnomAD compares: Non-Finnish European, 0.00034%; no homozygotes.

Submissions (3):

Ambry Genetics
Classification: Uncertain significance for Inborn genetic diseases. Last evaluated: 2026-06-22. Review status: criteria provided, single submitter. Criteria: Ambry Variant Classification Scheme 2023. Collection method: clinical testing. Allele origin: germline.

PreventionGenetics, part of Exact Sciences
Classification: Uncertain significance for COL4A1-related condition. Last evaluated: 2025-07-26. Review status: criteria provided, single submitter. Criteria: ACMG Guidelines, 2015. Collection method: clinical testing. Allele origin: germline.
Comment: The COL4A1 c.2522C>G variant is predicted to result in the amino acid substitution p.Pro841Arg. To our knowledge, this variant has not been reported in the literature or in a large population database (gnomAD), indicating this variant is rare. At this time, the clinical significance of this variant is uncertain due to the absence of conclusive functional and genetic evidence.

Labcorp Genetics (formerly Invitae), Labcorp
Classification: Uncertain significance. Last evaluated: 2023-03-18. Review status: criteria provided, single submitter. Criteria: Invitae Variant Classification Sherloc (09022015). Collection method: clinical testing. Allele origin: germline.
Comment: In summary, the available evidence is currently insufficient to determine the role of this variant in disease. Therefore, it has been classified as a Variant of Uncertain Significance. An algorithm developed to predict the effect of missense changes on protein structure and function (PolyPhen-2) suggests that this variant is likely to be disruptive. ClinVar contains an entry for this variant (Variation ID: 1963254). This variant has not been reported in the literature in individuals affected with COL4A1-related conditions. This variant is not present in population databases (gnomAD no frequency). This sequence change replaces proline, which is neutral and non-polar, with arginine, which is basic and polar, at codon 841 of the COL4A1 protein (p.Pro841Arg).

NM_001845.6(COL4A1):c.2522C>G (p.Pro841Arg)

Gene: COL4A1 (collagen type IV alpha 1 chain; minus strand). Cytogenetic location: 13q34.
Variant type: single nucleotide variant.
Coding change: c.2522C>G on transcript NM_001845.6 (MANE Select); coding-DNA position 2522, C replaced by G.
Protein change: p.Pro841Arg; replaces proline 841 with arginine.
Molecular consequence: missense variant.
Genome position (GRCh38, 1-based): chr13:110,178,168, G>C on the plus strand (C>G on the coding strand, the complement: COL4A1 is on the minus strand). VCF-style: chr13-110178168-G-C. GRCh37 (hg19) VCF-style: chr13-110830515-G-C.
Other names: c.2522C>G (NM_001845.4, NM_001845.5); short protein forms P841R.
Identifiers: ClinVar variation 1963254 (VCV001963254.7), dbSNP rs1181818827, ClinGen allele CA388667921.